The following is an entry in ClinVar:

NM_133497.4(KCNV2):c.1351G>T (p.Ala451Ser)

Gene: KCNV2 (potassium voltage-gated channel modifier subfamily V member 2; plus strand). Cytogenetic location: 9p24.2.
Variant type: single nucleotide variant.
Coding change: c.1351G>T on transcript NM_133497.4 (MANE Select); coding-DNA position 1351, G replaced by T.
Protein change: p.Ala451Ser; replaces alanine 451 with serine.
Molecular consequence: missense variant.
Genome position (GRCh38, 1-based): chr9:2,719,090, G>T. VCF-style: chr9-2719090-G-T. GRCh37 (hg19) VCF-style: chr9-2719090-G-T.
Other names: short protein forms A451S.
Identifiers: ClinVar variation 837755 (VCV000837755.10), dbSNP rs370789466, ClinGen allele CA4965865.

ClinVar aggregate classification (germline): Uncertain significance. Review status: criteria provided, multiple submitters, no conflicts (2 of 4 stars). 4 submissions from 4 submitters: Uncertain significance (4). Last evaluated 2026-08-28.

Conditions:
Inborn genetic diseases. Identifiers: MedGen C0950123, MeSH D030342.
KCNV2-related disorder. Also called: KCNV2-related condition.

Allele frequency attached by ClinVar (database versions not stated): ExAC 0.00002; gnomAD 0.00002; TOPMed 0.00003; ESP Exome Variant Server 0.00008.
gnomAD v4.1: 20 of 1,609,008 alleles (0.0012%); highest among the groups gnomAD compares: African/African-American, 0.0027%; no homozygotes.

Submissions (4):

PreventionGenetics, part of Exact Sciences
Classification: Uncertain significance for KCNV2-related condition. Last evaluated: 2026-08-28. Review status: criteria provided, single submitter. Criteria: ACMG Guidelines, 2015. Collection method: clinical testing. Allele origin: germline.
Comment: The KCNV2 c.1351G>T variant is predicted to result in the amino acid substitution p.Ala451Ser. To our knowledge, this variant has not been reported in the literature. This variant is reported in 0.0080% of alleles in individuals of African descent in gnomAD. At this time, the clinical significance of this variant is uncertain due to the absence of conclusive functional and genetic evidence.

Ambry Genetics
Classification: Uncertain significance for Inborn genetic diseases. Last evaluated: 2023-12-18. Review status: criteria provided, single submitter. Criteria: Ambry Variant Classification Scheme 2023. Collection method: clinical testing. Allele origin: germline.

Blueprint Genetics
Classification: Uncertain significance. Last evaluated: 2023-08-22. Review status: criteria provided, single submitter. Criteria: ACMG Guidelines, 2015. Collection method: clinical testing. Allele origin: germline.

Labcorp Genetics (formerly Invitae), Labcorp
Classification: Uncertain significance. Last evaluated: 2023-08-04. Review status: criteria provided, single submitter. Criteria: Invitae Variant Classification Sherloc (09022015). Collection method: clinical testing. Allele origin: germline.
Comment: This sequence change replaces alanine, which is neutral and non-polar, with serine, which is neutral and polar, at codon 451 of the KCNV2 protein (p.Ala451Ser). This variant is present in population databases (rs370789466, gnomAD 0.008%). This variant has not been reported in the literature in individuals affected with KCNV2-related conditions. ClinVar contains an entry for this variant (Variation ID: 837755). Advanced modeling of protein sequence and biophysical properties (such as structural, functional, and spatial information, amino acid conservation, physicochemical variation, residue mobility, and thermodynamic stability) performed at Invitae indicates that this missense variant is not expected to disrupt KCNV2 protein function. In summary, the available evidence is currently insufficient to determine the role of this variant in disease. Therefore, it has been classified as a Variant of Uncertain Significance.